The following is an entry in ClinVar:

ClinVar aggregate classification (germline): Conflicting classifications of pathogenicity. Review status: criteria provided, conflicting classifications (1 of 4 stars). 3 submissions from 3 submitters: Uncertain significance (1); Likely benign (2). Last evaluated 2025-05-25.

Conditions:
SNRNP200-related disorder. Also called: SNRNP200-related condition.

Allele frequency attached by ClinVar (database versions not stated): gnomAD exomes 0.00003 and 0.00005; ExAC 0.00006; gnomAD 0.00023 and 0.00028; TOPMed 0.00029.
gnomAD v4.1: 81 of 1,614,114 alleles (0.005%); highest among the groups gnomAD compares: African/African-American, 0.095%; no homozygotes.

Submissions (3):

Labcorp Genetics (formerly Invitae), Labcorp
Classification: Likely benign. Last evaluated: 2025-05-25. Review status: criteria provided, single submitter. Criteria: Invitae Variant Classification Sherloc (09022015). Collection method: clinical testing. Allele origin: germline.

PreventionGenetics, part of Exact Sciences
Classification: Likely benign for SNRNP200-related condition. Last evaluated: 2025-04-25. Review status: criteria provided, single submitter. Criteria: ACMG Guidelines, 2015. Collection method: clinical testing. Allele origin: germline.
Comment: This variant is classified as likely benign based on ACMG/AMP sequence variant interpretation guidelines (Richards et al. 2015 PMID: 25741868, with internal and published modifications).

Eurofins Ntd Llc (ga)
Classification: Uncertain significance. Last evaluated: 2017-09-12. Review status: criteria provided, single submitter. Criteria: EGL Classification Definitions 2015. Collection method: clinical testing. Allele origin: germline. Observed: 2 variant alleles, 2 heterozygotes.

NM_014014.5(SNRNP200):c.6082A>G (p.Ser2028Gly)

Gene: SNRNP200 (small nuclear ribonucleoprotein U5 subunit 200; minus strand). Cytogenetic location: 2q11.2.
Variant type: single nucleotide variant.
Coding change: c.6082A>G on transcript NM_014014.5 (MANE Select); coding-DNA position 6082, A replaced by G.
Protein change: p.Ser2028Gly; replaces serine 2028 with glycine.
Molecular consequence: missense variant.
Genome position (GRCh38, 1-based): chr2:96,277,091, T>C on the plus strand (A>G on the coding strand, the complement: SNRNP200 is on the minus strand). VCF-style: chr2-96277091-T-C. GRCh37 (hg19) VCF-style: chr2-96942829-T-C.
Other names: c.6082A>G (NM_014014.4); short protein forms S2028G.
Identifiers: ClinVar variation 593843 (VCV000593843.15), dbSNP rs766856664, ClinGen allele CA1777832.